The following is an entry in ClinVar:

NM_005911.6(MAT2A):c.13C>T (p.Leu5Phe)

Gene: MAT2A (methionine adenosyltransferase 2A; plus strand). Cytogenetic location: 2p11.2.
Variant type: single nucleotide variant.
Coding change: c.13C>T on transcript NM_005911.6 (MANE Select); coding-DNA position 13, C replaced by T.
Protein change: p.Leu5Phe; replaces leucine 5 with phenylalanine.
Molecular consequence: missense variant.
Genome position (GRCh38, 1-based): chr2:85,539,300, C>T. VCF-style: chr2-85539300-C-T. GRCh37 (hg19) VCF-style: chr2-85766423-C-T.
Other names: short protein forms L5F.
Identifiers: ClinVar variation 3543600 (VCV003543600.4).
Genomic context (GRCh38, chr2:85,539,300, plus strand): 5'-CCTCGCCGCTGCTCCTTCGTAAGGCCACTTCCGCACACCGACACCAACATGAACGGACAG[C>T]TCAACGGCTTCCACGAGGCGTTCATCGAGGAGGGCACATTCCTTTTCACCTCAGAGTCGG-3'
Protein context (NP_005902.1, residues 1-15): MNGQ[Leu5Phe]NGFHEAFIEE

ClinVar aggregate classification (germline): Uncertain significance. Review status: criteria provided, multiple submitters, no conflicts (2 of 4 stars). 2 submissions from 2 submitters: Uncertain significance (2). Last evaluated 2025-12-02.

Conditions:
Cardiovascular phenotype. Identifiers: MedGen CN230736.
Familial thoracic aortic aneurysm and aortic dissection (TAAD). Also called: Thoracic aortic aneurysms and dissections. Identifiers: Orphanet 91387, MedGen C4707243, MONDO:0019625.

Submissions (2):

Labcorp Genetics (formerly Invitae), Labcorp
Classification: Uncertain significance for Familial thoracic aortic aneurysm and aortic dissection. Last evaluated: 2025-12-02. Review status: criteria provided, single submitter. Criteria: Invitae Variant Classification Sherloc (09022015). Collection method: clinical testing. Allele origin: germline.
Comment: This sequence change replaces leucine, which is neutral and non-polar, with phenylalanine, which is neutral and non-polar, at codon 5 of the MAT2A protein (p.Leu5Phe). This variant is present in population databases (rs149500752, gnomAD 0.007%). This variant has not been reported in the literature in individuals affected with MAT2A-related conditions. ClinVar contains an entry for this variant (Variation ID: 3543600). An algorithm developed to predict the effect of missense changes on protein structure and function (PolyPhen-2) suggests that this variant is likely to be tolerated. In summary, the available evidence is currently insufficient to determine the role of this variant in disease. Therefore, it has been classified as a Variant of Uncertain Significance.

Ambry Genetics
Classification: Uncertain significance for Cardiovascular phenotype. Last evaluated: 2025-04-30. Review status: criteria provided, single submitter. Criteria: Ambry Variant Classification Scheme 2023. Collection method: clinical testing. Allele origin: germline.